The following is an entry in ClinVar:

NM_000352.6(ABCC8):c.4411+2T>C

Gene: ABCC8 (ATP binding cassette subfamily C member 8; minus strand). Cytogenetic location: 11p15.1.
Variant type: single nucleotide variant.
Coding change: c.4411+2T>C on transcript NM_000352.6 (MANE Select); the canonical splice donor site of the intron after coding-DNA position 4411, T replaced by C.
Molecular consequence: splice donor variant.
Genome position (GRCh38, 1-based): chr11:17,395,170, A>G on the plus strand (T>C on the coding strand, the complement: ABCC8 is on the minus strand). VCF-style: chr11-17395170-A-G. GRCh37 (hg19) VCF-style: chr11-17416717-A-G.
Other names: c.4408+2T>C (NM_001351297.2); c.4411+2T>C (NM_001351296.2); c.4477+2T>C (NM_001351295.2); c.4414+2T>C (NM_001287174.3).
Identifiers: ClinVar variation 1065979 (VCV001065979.8), dbSNP rs1953843456, ClinGen allele CA379785064.

ClinVar aggregate classification (germline): Likely pathogenic. Review status: criteria provided, single submitter (1 of 4 stars). 2 submissions from 2 submitters: Likely pathogenic (1). 1 of the submissions does not count toward it. Last evaluated 2020-09-20.

Conditions:
Hereditary hyperinsulinism.

Allele frequency attached by ClinVar (database versions not stated): TOPMed below 0.00001.

Submissions (2):

Labcorp Genetics (formerly Invitae), Labcorp
Classification: Likely pathogenic. Last evaluated: 2020-09-20. Review status: criteria provided, single submitter. Criteria: Invitae Variant Classification Sherloc (09022015). Collection method: clinical testing. Allele origin: germline.
Comment: In summary, the currently available evidence indicates that the variant is pathogenic, but additional data are needed to prove that conclusively. Therefore, this variant has been classified as Likely Pathogenic. Donor and acceptor splice site variants typically lead to a loss of protein function (PMID: 16199547), and loss-of-function variants in ABCC8 are known to be pathogenic (PMID: 20685672, 23345197). Algorithms developed to predict the effect of sequence changes on RNA splicing suggest that this variant may disrupt the consensus splice site, but this prediction has not been confirmed by published transcriptional studies. This variant has not been reported in the literature in individuals with ABCC8-related conditions. This variant is not present in population databases (ExAC no frequency). This sequence change affects a donor splice site in intron 36 of the ABCC8 gene. It is expected to disrupt RNA splicing and likely results in an absent or disrupted protein product.

Natera, Inc.
Classification: Likely pathogenic for Hereditary hyperinsulinism. Last evaluated: 2020-03-27. Review status: no assertion criteria provided. Collection method: clinical testing. Allele origin: germline. Not counted in ClinVar's aggregate classification.

Literature cited by the submitters: PubMed 16199547 (cited by Labcorp Genetics (formerly Invitae), Labcorp); PubMed 20685672 (cited by Labcorp Genetics (formerly Invitae), Labcorp); PubMed 23345197 (cited by Labcorp Genetics (formerly Invitae), Labcorp).